The following is an entry in ClinVar:

NM_003331.5(TYK2):c.861G>T (p.Glu287Asp)

Gene: TYK2 (tyrosine kinase 2; minus strand). Cytogenetic location: 19p13.2.
Variant type: single nucleotide variant.
Coding change: c.861G>T on transcript NM_003331.5 (MANE Select); coding-DNA position 861, G replaced by T.
Protein change: p.Glu287Asp; replaces glutamic acid 287 with aspartic acid.
Molecular consequence: missense variant.
Genome position (GRCh38, 1-based): chr19:10,365,667, C>A on the plus strand (G>T on the coding strand, the complement: TYK2 is on the minus strand). VCF-style: chr19-10365667-C-A. GRCh37 (hg19) VCF-style: chr19-10476343-C-A.
Other names: short protein forms E287D.
Identifiers: ClinVar variation 941007 (VCV000941007.8), dbSNP rs760138236, ClinGen allele CA404016564.

ClinVar aggregate classification (germline): Uncertain significance (1 of 4 stars; one submission).

Conditions:
Immunodeficiency 35 (IMD35). Also called: TYK2 DEFICIENCY; HIES WITH ATYPICAL MYCOBACTERIOSIS, AUTOSOMAL RECESSIVE; HYPER-IgE SYNDROME WITH ATYPICAL MYCOBACTERIOSIS, AUTOSOMAL RECESSIVE; Susceptibility to infection due to TYK2 deficiency. Identifiers: Orphanet 331226, MedGen C1969086, MONDO:0012682, OMIM 611521.

Submission:

Labcorp Genetics (formerly Invitae), Labcorp
Classification: Uncertain significance for Immunodeficiency 35. Last evaluated: 2019-11-04. Review status: criteria provided, single submitter. Criteria: Invitae Variant Classification Sherloc (09022015). Collection method: clinical testing. Allele origin: germline.
Comment: In summary, the available evidence is currently insufficient to determine the role of this variant in disease. Therefore, it has been classified as a Variant of Uncertain Significance. Algorithms developed to predict the effect of missense changes on protein structure and function output the following: SIFT: "Tolerated"; PolyPhen-2: "Benign"; Align-GVGD: "Class C0". The aspartic acid amino acid residue is found in multiple mammalian species, suggesting that this missense change does not adversely affect protein function. These predictions have not been confirmed by published functional studies and their clinical significance is uncertain. This variant has not been reported in the literature in individuals with TYK2-related conditions. This variant is not present in population databases (ExAC no frequency). This sequence change replaces glutamic acid with aspartic acid at codon 287 of the TYK2 protein (p.Glu287Asp). The glutamic acid residue is highly conserved and there is a small physicochemical difference between glutamic acid and aspartic acid.